The following is an entry in ClinVar:

NM_000271.5(NPC1):c.2130+10C>G

Gene: NPC1 (NPC intracellular cholesterol transporter 1; minus strand). Cytogenetic location: 18q11.2.
Variant type: single nucleotide variant.
Coding change: c.2130+10C>G on transcript NM_000271.5 (MANE Select); 10 bases into the intron after coding-DNA position 2130, C replaced by G.
Molecular consequence: intron variant.
Genome position (GRCh38, 1-based): chr18:23,544,334, G>C on the plus strand (C>G on the coding strand, the complement: NPC1 is on the minus strand). VCF-style: chr18-23544334-G-C. GRCh37 (hg19) VCF-style: chr18-21124298-G-C.
Other names: p.?.
Identifiers: ClinVar variation 754325 (VCV000754325.18), dbSNP rs776389852, ClinGen allele CA8913224.
Genomic context (GRCh38, chr18:23,544,334, plus strand): 5'-AGCCCAGGAGCCATTCACAGTCCCTGAAACTTGAACAGATGCTGAGCCCTGTGAGAATAT[G>C]GAAGTATACCTGGTAGGCCTGCACCAGAATGAAGATGTTGTCCACTCCAACAGCCAGCAC-3'

ClinVar aggregate classification (germline): Conflicting classifications of pathogenicity. Review status: criteria provided, conflicting classifications (1 of 4 stars). 5 submissions from 5 submitters: Uncertain significance (1); Likely benign (3). 1 of the submissions does not count toward it. Last evaluated 2025-07-14.

Conditions:
NPC1-related disorder. Also called: NPC1-related condition.
Niemann-Pick disease, type C1. Also called: NEUROVISCERAL STORAGE DISEASE WITH VERTICAL SUPRANUCLEAR OPHTHALMOPLEGIA; NIEMANN-PICK DISEASE WITH CHOLESTEROL ESTERIFICATION BLOCK; NIEMANN-PICK DISEASE WITHOUT SPHINGOMYELINASE DEFICIENCY; NIEMANN-PICK DISEASE, CHRONIC NEURONOPATHIC FORM; NIEMANN-PICK DISEASE, VARIANT TYPE C1. Identifiers: Orphanet 646, MedGen C3179455, MONDO:0009757, OMIM 257220.

Allele frequency attached by ClinVar (database versions not stated): gnomAD 0.00003; TOPMed 0.00003.

Submissions (5):

Mayo Clinic Laboratories, Mayo Clinic
Classification: Likely benign. Last evaluated: 2025-07-14. Review status: criteria provided, single submitter. Criteria: ACMG Guidelines, 2015. Collection method: clinical testing. Allele origin: germline. Observed: 1 variant allele.
Comment: BP4, BP7

PreventionGenetics, part of Exact Sciences
Classification: Likely benign for NPC1-related condition. Last evaluated: 2025-04-16. Review status: criteria provided, single submitter. Criteria: ACMG Guidelines, 2015. Collection method: clinical testing. Allele origin: germline.
Comment: This variant is classified as likely benign based on ACMG/AMP sequence variant interpretation guidelines (Richards et al. 2015 PMID: 25741868, with internal and published modifications).

Labcorp Genetics (formerly Invitae), Labcorp
Classification: Likely benign for Niemann-Pick disease, type C1. Last evaluated: 2025-02-20. Review status: criteria provided, single submitter. Criteria: Invitae Variant Classification Sherloc (09022015). Collection method: clinical testing. Allele origin: germline.

Illumina Laboratory Services, Illumina
Classification: Uncertain significance for Niemann-Pick disease type C1. Last evaluated: 2018-01-13. Review status: criteria provided, single submitter. Criteria: ICSL Variant Classification Criteria 13 December 2019. Collection method: clinical testing. Allele origin: germline.

Natera, Inc.
Classification: Uncertain significance for Niemann-Pick disease type C1. Last evaluated: 2020-02-13. Review status: no assertion criteria provided. Collection method: clinical testing. Allele origin: germline. Not counted in ClinVar's aggregate classification.